The following is an entry in ClinVar:

ClinVar aggregate classification (germline): Uncertain significance (1 of 4 stars; one submission).

Conditions:
Inborn genetic diseases. Identifiers: MedGen C0950123, MeSH D030342.

Submission:

Ambry Genetics
Classification: Uncertain significance for Inborn genetic diseases. Last evaluated: 2026-05-14. Review status: criteria provided, single submitter. Criteria: Ambry Variant Classification Scheme 2023. Collection method: clinical testing. Allele origin: germline.
Comment: The p.Y202C variant (also known as c.605A>G), located in coding exon 4 of the SBDS gene, results from an A to G substitution at nucleotide position 605. The tyrosine at codon 202 is replaced by cysteine, an amino acid with highly dissimilar properties. This amino acid position is conserved. In addition, the in silico prediction for this alteration is inconclusive. Based on the available evidence, the clinical significance of this variant remains unclear.

NM_016038.4(SBDS):c.605A>G (p.Tyr202Cys)

Gene: SBDS (SBDS ribosome maturation factor; minus strand). Cytogenetic location: 7q11.21.
Variant type: single nucleotide variant.
Coding change: c.605A>G on transcript NM_016038.4 (MANE Select); coding-DNA position 605, A replaced by G.
Protein change: p.Tyr202Cys; replaces tyrosine 202 with cysteine.
Molecular consequence: missense variant.
Genome position (GRCh38, 1-based): chr7:66,991,156, T>C on the plus strand (A>G on the coding strand, the complement: SBDS is on the minus strand). VCF-style: chr7-66991156-T-C. GRCh37 (hg19) VCF-style: chr7-66456143-T-C.
Other names: short protein forms Y202C.
Identifiers: ClinVar variation 4864060 (VCV004864060.1).